The following is an entry in ClinVar:

NM_017617.5(NOTCH1):c.5011G>A (p.Val1671Ile)

Gene: NOTCH1 (notch receptor 1; minus strand). Cytogenetic location: 9q34.3.
Variant type: single nucleotide variant.
Coding change: c.5011G>A on transcript NM_017617.5 (MANE Select); coding-DNA position 5011, G replaced by A.
Protein change: p.Val1671Ile; replaces valine 1671 with isoleucine.
Molecular consequence: missense variant.
Genome position (GRCh38, 1-based): chr9:136,504,680, C>T on the plus strand (G>A on the coding strand, the complement: NOTCH1 is on the minus strand). VCF-style: chr9-136504680-C-T. GRCh37 (hg19) VCF-style: chr9-139399132-C-T.
Other names: c.5011G>A, p.Val1671Ile (LRG_1122t1); c.5011G>A (NM_017617.4); short protein forms V1671I.
Identifiers: ClinVar variation 134940 (VCV000134940.51), dbSNP rs2229968, ClinGen allele CA161207.

ClinVar aggregate classification (germline): Benign/Likely benign. Review status: criteria provided, multiple submitters, no conflicts (2 of 4 stars). 17 submissions from 16 submitters: Benign (6); Likely benign (7). 4 of the submissions do not count toward it. Last evaluated 2026-07-01.

Conditions:
Adams-Oliver syndrome 5 (AOS5). Identifiers: Orphanet 974, MedGen C4014970, MONDO:0014459, OMIM 616028.
Aortic valve disease 1 (AOVD1). Identifiers: MedGen C3887892, MONDO:0024523, OMIM 109730.
Familial thoracic aortic aneurysm and aortic dissection (TAAD). Also called: Thoracic aortic aneurysms and dissections. Identifiers: Orphanet 91387, MedGen C4707243, MONDO:0019625.

Allele frequency attached by ClinVar (database versions not stated): gnomAD exomes 0.00101 and 0.00245; ExAC 0.00514; ESP Exome Variant Server 0.00587; gnomAD 0.00847 and 0.00898; 1000 Genomes Project 0.00919; TOPMed 0.00971; 1000 Genomes Project 30x 0.00999.
gnomAD v4.1: 2,716 of 1,516,392 alleles (0.18%); highest among the groups gnomAD compares: African/African-American, 2.8%; 20 homozygotes.

Submissions (17):

CeGaT Center for Human Genetics Tuebingen
Classification: Likely benign. Last evaluated: 2026-07-01. Review status: criteria provided, single submitter. Criteria: CeGaT Center For Human Genetics Tuebingen Variant Classification Criteria Version 2. Collection method: clinical testing. Allele origin: germline. Affected: yes. Observed: 9 variant alleles.
Comment: NOTCH1: BP4

Labcorp Genetics (formerly Invitae), Labcorp
Classification: Likely benign for Adams-Oliver syndrome 5. Last evaluated: 2026-02-02. Review status: criteria provided, single submitter. Criteria: Invitae Variant Classification Sherloc (09022015). Collection method: clinical testing. Allele origin: germline.

ARUP Laboratories, Molecular Genetics and Genomics, ARUP Laboratories
Classification: Likely benign. Last evaluated: 2025-03-27. Review status: criteria provided, single submitter. Criteria: ARUP Molecular Germline Variant Investigation Process 2024. Collection method: clinical testing. Allele origin: germline.

Blueprint Genetics
Classification: Likely benign. Last evaluated: 2024-11-27. Review status: criteria provided, single submitter. Criteria: ACMG Guidelines, 2015. Collection method: clinical testing. Allele origin: germline.

Women's Health and Genetics/Laboratory Corporation of America, LabCorp
Classification: Likely benign. Last evaluated: 2023-07-21. Review status: criteria provided, single submitter. Criteria: LabCorp Variant Classification Summary - May 2015. Collection method: clinical testing. Allele origin: germline.

Genome-Nilou Lab
Classification: Benign for Adams-Oliver syndrome 5. Last evaluated: 2022-03-15. Review status: criteria provided, single submitter. Criteria: ACMG Guidelines, 2015. Collection method: clinical testing. Allele origin: germline. Affected: no.

Genome-Nilou Lab
Classification: Benign for Aortic valve disease 1. Last evaluated: 2022-03-15. Review status: criteria provided, single submitter. Criteria: ACMG Guidelines, 2015. Collection method: clinical testing. Allele origin: germline. Affected: no.

Fulgent Genetics
Classification: Benign for Aortic valve disease 1; Adams-Oliver syndrome 5. Last evaluated: 2021-07-02. Review status: criteria provided, single submitter. Criteria: ACMG Guidelines, 2015. Collection method: clinical testing. Allele origin: unknown.

Mayo Clinic Laboratories, Mayo Clinic
Classification: Benign. Last evaluated: 2017-11-29. Review status: criteria provided, single submitter. Criteria: ACMG Guidelines, 2015. Collection method: clinical testing. Allele origin: germline. Observed: 12 variant alleles.

GeneDx
Classification: Benign. Last evaluated: 2017-05-04. Review status: criteria provided, single submitter. Criteria: GeneDx Variant Classification (06012015). Collection method: clinical testing. Allele origin: germline. Affected: yes.
Comment: This variant is considered likely benign or benign based on one or more of the following criteria: it is a conservative change, it occurs at a poorly conserved position in the protein, it is predicted to be benign by multiple in silico algorithms, and/or has population frequency not consistent with disease.

CHEO Genetics Diagnostic Laboratory, Children's Hospital of Eastern Ontario
Classification: Likely benign for Familial thoracic aortic aneurysm and aortic dissection. Last evaluated: 2016-11-30. Review status: criteria provided, single submitter. Criteria: ACMG Guidelines, 2015. Collection method: clinical testing. Allele origin: germline. Study: Canadian Open Genetics Repository.

Ambry Genetics
Classification: Benign for Familial thoracic aortic aneurysm and aortic dissection. Last evaluated: 2015-08-11. Review status: criteria provided, single submitter. Criteria: Ambry Variant Classification Scheme 2023. Collection method: clinical testing. Allele origin: germline.

Breakthrough Genomics
Classification: Likely benign. Review status: criteria provided, single submitter. Criteria: ACMG Guidelines, 2015. Collection method: not provided. Allele origin: germline. Inheritance: Autosomal dominant inheritance. Affected: yes.

ITMI
No classification provided. Condition: AllHighlyPenetrant. Last evaluated: 2013-09-19. Review status: no classification provided. Collection method: reference population. Allele origin: germline. Not counted in ClinVar's aggregate classification.
Comment: Please see associated publication for description of ethnicities

Clinical Genetics DNA and cytogenetics Diagnostics Lab, Erasmus MC, Erasmus Medical Center
Classification: Benign. Review status: no assertion criteria provided. Collection method: clinical testing. Allele origin: germline. Affected: yes. Study: VKGL Data-share Consensus. Not counted in ClinVar's aggregate classification.

Genome Diagnostics Laboratory, Amsterdam University Medical Center
Classification: Benign. Review status: no assertion criteria provided. Collection method: clinical testing. Allele origin: germline. Affected: yes. Study: VKGL Data-share Consensus. Not counted in ClinVar's aggregate classification.

Genome Diagnostics Laboratory, University Medical Center Utrecht
Classification: Benign. Review status: no assertion criteria provided. Collection method: clinical testing. Allele origin: germline. Affected: yes. Study: VKGL Data-share Consensus. Not counted in ClinVar's aggregate classification.

Literature cited by the submitters: PubMed 24943832 (cited by Women's Health and Genetics/Laboratory Corporation of America, LabCorp); PubMed 16614245 (cited by Women's Health and Genetics/Laboratory Corporation of America, LabCorp); PubMed 21670202 (cited by Women's Health and Genetics/Laboratory Corporation of America, LabCorp); PubMed 22210878 (cited by Women's Health and Genetics/Laboratory Corporation of America, LabCorp); PubMed 19635999 (cited by Women's Health and Genetics/Laboratory Corporation of America, LabCorp); PubMed 26837699 (cited by Women's Health and Genetics/Laboratory Corporation of America, LabCorp); PubMed 23086750 (cited by Women's Health and Genetics/Laboratory Corporation of America, LabCorp); PubMed 19245433 (cited by Women's Health and Genetics/Laboratory Corporation of America, LabCorp); PubMed 22077063 (cited by Women's Health and Genetics/Laboratory Corporation of America, LabCorp); PubMed 15472075 (cited by Women's Health and Genetics/Laboratory Corporation of America, LabCorp); PubMed 23734977 (cited by Women's Health and Genetics/Laboratory Corporation of America, LabCorp); PubMed 22858860 (cited by Women's Health and Genetics/Laboratory Corporation of America, LabCorp); PubMed 24728327 (cited by ITMI).